The following is an entry in ClinVar:

ClinVar aggregate classification (germline): Uncertain significance. Review status: criteria provided, multiple submitters, no conflicts (2 of 4 stars). 3 submissions from 3 submitters: Uncertain significance (3). Last evaluated 2023-10-01.

Conditions:
Retinal dystrophy. Also called: Inherited retinal dystrophy. Identifiers: Orphanet 71862, MedGen C0854723, MeSH D058499, MONDO:0019118, HP:0000556.

Allele frequency attached by ClinVar (database versions not stated): ExAC 0.00001; gnomAD exomes 0.00001 and 0.00003; TOPMed 0.00002; gnomAD 0.00003; 1000 Genomes Project 30x 0.00016; 1000 Genomes Project 0.00020.
gnomAD v4.1: 47 of 1,614,158 alleles (0.0029%); highest among the groups gnomAD compares: Non-Finnish European, 0.0036%; no homozygotes.

Submissions (3):

Dept Of Ophthalmology, Nagoya University
Classification: Uncertain significance for Retinal dystrophy. Last evaluated: 2023-10-01. Review status: criteria provided, single submitter. Criteria: Submitter's publication. Collection method: research. Allele origin: germline. Affected: yes.

Labcorp Genetics (formerly Invitae), Labcorp
Classification: Uncertain significance. Last evaluated: 2022-09-12. Review status: criteria provided, single submitter. Criteria: Invitae Variant Classification Sherloc (09022015). Collection method: clinical testing. Allele origin: germline.
Comment: This sequence change replaces arginine, which is basic and polar, with glutamine, which is neutral and polar, at codon 1045 of the DHX38 protein (p.Arg1045Gln). This variant is present in population databases (rs534381710, gnomAD 0.01%). This variant has not been reported in the literature in individuals affected with DHX38-related conditions. ClinVar contains an entry for this variant (Variation ID: 970101). Advanced modeling of protein sequence and biophysical properties (such as structural, functional, and spatial information, amino acid conservation, physicochemical variation, residue mobility, and thermodynamic stability) performed at Invitae indicates that this missense variant is not expected to disrupt DHX38 protein function. In summary, the available evidence is currently insufficient to determine the role of this variant in disease. Therefore, it has been classified as a Variant of Uncertain Significance.

Blueprint Genetics
Classification: Uncertain significance. Last evaluated: 2021-06-03. Review status: criteria provided, single submitter. Criteria: ACMG Guidelines, 2015. Collection method: clinical testing. Allele origin: germline.

NM_014003.4(DHX38):c.3134G>A (p.Arg1045Gln)

Genes: DHX38 (DEAH-box helicase 38; plus strand), LOC126862391 (CDK7 strongly-dependent group 2 enhancer GRCh37_chr16:72141414-72142613; plus strand). Cytogenetic location: 16q22.2.
Variant type: single nucleotide variant.
Coding change: c.3134G>A on transcript NM_014003.4 (MANE Select); coding-DNA position 3134, G replaced by A.
Protein change: p.Arg1045Gln; replaces arginine 1045 with glutamine.
Molecular consequence: missense variant.
Genome position (GRCh38, 1-based): chr16:72,108,486, G>A. VCF-style: chr16-72108486-G-A. GRCh37 (hg19) VCF-style: chr16-72142385-G-A.
Other names: short protein forms R1045Q.
Identifiers: ClinVar variation 970101 (VCV000970101.7), dbSNP rs534381710, ClinGen allele CA8160896.